The following is an entry in ClinVar:

ClinVar aggregate classification (germline): Uncertain significance (1 of 4 stars; one submission).

gnomAD v4.1: 4 of 1,614,038 alleles (0.00025%); highest among the groups gnomAD compares: Non-Finnish European, 0.00034%; no homozygotes.

Submission:

Labcorp Genetics (formerly Invitae), Labcorp
Classification: Uncertain significance. Last evaluated: 2024-10-30. Review status: criteria provided, single submitter. Criteria: Invitae Variant Classification Sherloc (09022015). Collection method: clinical testing. Allele origin: germline.
Comment: This sequence change replaces serine, which is neutral and polar, with asparagine, which is neutral and polar, at codon 736 of the RAI1 protein (p.Ser736Asn). This variant is not present in population databases (gnomAD no frequency). This variant has not been reported in the literature in individuals affected with RAI1-related conditions. An algorithm developed to predict the effect of missense changes on protein structure and function (PolyPhen-2) suggests that this variant is likely to be tolerated. In summary, the available evidence is currently insufficient to determine the role of this variant in disease. Therefore, it has been classified as a Variant of Uncertain Significance.

NM_030665.4(RAI1):c.2207G>A (p.Ser736Asn)

Gene: RAI1 (retinoic acid induced 1; plus strand). Cytogenetic location: 17p11.2.
Variant type: single nucleotide variant.
Coding change: c.2207G>A on transcript NM_030665.4 (MANE Select); coding-DNA position 2207, G replaced by A.
Protein change: p.Ser736Asn; replaces serine 736 with asparagine.
Molecular consequence: missense variant.
Genome position (GRCh38, 1-based): chr17:17,795,155, G>A. VCF-style: chr17-17795155-G-A. GRCh37 (hg19) VCF-style: chr17-17698469-G-A.
Other names: short protein forms S736N.
Identifiers: ClinVar variation 3617411 (VCV003617411.2).